The following is an entry in ClinVar:

ClinVar aggregate classification (germline): Conflicting classifications of pathogenicity. Review status: criteria provided, conflicting classifications (1 of 4 stars). 7 submissions from 7 submitters: Uncertain significance (3); Likely benign (4). Last evaluated 2026-01-04.

Conditions:
Cardiovascular phenotype. Identifiers: MedGen CN230736.
Cardiomyopathy (CMYO). Also called: Cardiomyopathies. Identifiers: Orphanet 167848, MedGen C0878544, MONDO:0004994, HP:0001638. Inheritance: Various modes of inheritance.
Hypertrophic cardiomyopathy. Also called: HYPERTROPHIC MYOCARDIOPATHY. Identifiers: Orphanet 217569, MedGen C0007194, MeSH D002312, MONDO:0005045, HP:0001639.

Allele frequency attached by ClinVar (database versions not stated): ExAC 0.00010; gnomAD 0.00015 and 0.00018; TOPMed 0.00015; ESP Exome Variant Server 0.00016; gnomAD exomes 0.00001 and 0.00003.
gnomAD v4.1: 44 of 1,552,054 alleles (0.0028%); highest among the groups gnomAD compares: African/African-American, 0.038%; no homozygotes.

Submissions (7):

Labcorp Genetics (formerly Invitae), Labcorp
Classification: Likely benign for Hypertrophic cardiomyopathy. Last evaluated: 2026-01-04. Review status: criteria provided, single submitter. Criteria: Invitae Variant Classification Sherloc (09022015). Collection method: clinical testing. Allele origin: germline.

Ambry Genetics
Classification: Uncertain significance for Cardiovascular phenotype. Last evaluated: 2025-07-30. Review status: criteria provided, single submitter. Criteria: Ambry Variant Classification Scheme 2023. Collection method: clinical testing. Allele origin: germline.
Comment: The c.407-5C>T intronic variant results from a C to T substitution 5 nucleotides upstream from coding exon 4 in the MYBPC3 gene. One minigene splicing study suggests that this alteration may impact splicing; however, technical limitations of the assay confound the interpretation (Ito K et al. Proc. Natl. Acad. Sci. U.S.A., 2017 07;114:7689-7694). This nucleotide position is highly conserved in available vertebrate species. In silico splice site analysis predicts that this alteration will not have any significant effect on splicing. Based on the available evidence, the clinical significance of this variant remains unclear.

Molecular Diagnostic Laboratory for Inherited Cardiovascular Disease, Montreal Heart Institute
Classification: Likely benign. Last evaluated: 2025-04-09. Review status: criteria provided, single submitter. Criteria: ACMG Guidelines, 2015. Collection method: clinical testing. Allele origin: germline. Affected: no.

Blueprint Genetics
Classification: Uncertain significance. Last evaluated: 2024-03-01. Review status: criteria provided, single submitter. Criteria: ACMG Guidelines, 2015. Collection method: clinical testing. Allele origin: germline.

All of Us Research Program, National Institutes of Health
Classification: Likely benign for Hypertrophic cardiomyopathy. Last evaluated: 2023-12-01. Review status: criteria provided, single submitter. Criteria: ACMG Guidelines, 2015. Collection method: clinical testing. Allele origin: germline. Inheritance: Autosomal dominant inheritance. Observed: 6 variant alleles, 6 heterozygotes.
Comment: This study involves interpretation of variants in research participants for the purpose of population health screening. Participant phenotype was not available at the time of variant classification. Additional details can be found in publication PMID: 35346344, PMCID: PMC8962531

GeneDx
Classification: Uncertain significance. Last evaluated: 2023-02-28. Review status: criteria provided, single submitter. Criteria: GeneDx Variant Classification Process June 2021. Collection method: clinical testing. Allele origin: germline. Affected: yes.
Comment: Reported in association with hypertrophic cardiomyopathy (HCM) in published literature (Torrado et al., 2022); In silico analysis supports that this variant does not alter splicing; This variant is associated with the following publications: (PMID: 28679633, 35508642)

Color Diagnostics, LLC DBA Color Health
Classification: Likely benign for Cardiomyopathy. Last evaluated: 2019-01-08. Review status: criteria provided, single submitter. Criteria: ACMG Guidelines, 2015. Collection method: clinical testing. Allele origin: germline.

Literature cited by the submitters: PubMed 28679633 (cited by Ambry Genetics).

NC_000011.10:g.47350117G>A

Gene: MYBPC3 (myosin binding protein C3; minus strand). Cytogenetic location: 11p11.2.
Variant type: single nucleotide variant.
Genome position: GRCh38 VCF-style: chr11-47350117-G-A. GRCh37 (hg19) VCF-style: chr11-47371668-G-A.
Other names: c.407-5C>T (LRG_386t1, NM_000256.3).
Identifiers: ClinVar variation 414443 (VCV000414443.21), dbSNP rs371312567, ClinGen allele CA055330.